The following is an entry in ClinVar:

NM_001242896.3(DEPDC5):c.4152del (p.Phe1384fs)

Gene: DEPDC5 (DEP domain containing 5, GATOR1 subcomplex subunit; plus strand). Cytogenetic location: 22q12.3.
Variant type: Deletion.
Coding change: c.4152del on transcript NM_001242896.3 (MANE Select); coding-DNA position 4152, one base deleted (T; older notation c.4152delT).
Protein change: p.Phe1384fs; shifts the reading frame from phenylalanine 1384.
Molecular consequence: frameshift variant. On other transcripts: non-coding transcript variant (5).
Genome position (GRCh38, 1-based): chr22:31,893,700, T deleted; the last of 3 consecutive T bases (chr22:31,893,698-31,893,700); deleting any one gives the same sequence. VCF-style (leftmost placement, unchanged base first): chr22-31893697-CT-C. GRCh37 (hg19) VCF-style: chr22-32289683-CT-C.
Other names: c.4125del, p.Phe1375fs (NM_001136029.4); c.3852del, p.Phe1284fs (NM_001242897.2); c.4086del, p.Phe1362fs (NM_001363852.2, NM_001364320.2); c.3918del, p.Phe1306fs (NM_001363854.2, NM_001364319.2); c.4152del, p.Phe1384fs (NM_001364318.2); c.4068del, p.Phe1356fs (NM_001369901.1, NM_001369902.1); c.4059del, p.Phe1353fs (NM_001369903.1, NM_014662.6); short protein forms F1284fs, F1306fs, F1353fs, F1356fs, F1362fs, F1375fs, F1384fs.
Identifiers: ClinVar variation 983531 (VCV000983531.3), dbSNP rs1339126434, ClinGen allele CA1139667083.

ClinVar aggregate classification (germline): Likely pathogenic. Review status: criteria provided, multiple submitters, no conflicts (2 of 4 stars). 2 submissions from 2 submitters: Likely pathogenic (2). Last evaluated 2020-10-15.

Conditions:
Epilepsy, familial focal, with variable foci 1 (FFEVF1). Also called: DEPDC5-Related Epilepsy. Identifiers: MedGen C4551983, MONDO:0024556, OMIM 604364.

Submissions (2):

Institute of Human Genetics, Clinical Exome/Genome Diagnostics Group, University Hospital Bonn
Classification: Likely pathogenic for Epilepsy, familial focal, with variable foci 1. Last evaluated: 2020-10-15. Review status: criteria provided, single submitter. Criteria: ACMG Guidelines, 2015. Collection method: clinical testing. Allele origin: germline. Affected: yes.

Institute for Genomic Statistics and Bioinformatics, University Hospital Bonn
Classification: Likely pathogenic for Epilepsy, familial focal, with variable foci 1. Review status: criteria provided, single submitter. Criteria: ACMG Guidelines, 2015. Collection method: clinical testing. Allele origin: paternal. Inheritance: Autosomal dominant inheritance. Affected: yes. Observed: 1 heterozygote.
Comment: ACMG classification: likely pathogenic (class 4: PVS1, PM2)